The following is an entry in ClinVar:

ClinVar aggregate classification (germline): Pathogenic/Likely pathogenic. Review status: criteria provided, multiple submitters, no conflicts (2 of 4 stars). 3 submissions from 3 submitters: Pathogenic (2); Likely pathogenic (1). Last evaluated 2025-04-07.

Conditions:
Hereditary breast ovarian cancer syndrome. Also called: Hereditary breast and ovarian cancer; Hereditary breast and ovarian cancer syndrome (HBOC); Breast and ovarian cancer; Hereditary breast and ovarian cancer syndrome; BRCA1- and BRCA2-Associated Hereditary Breast and Ovarian Cancer; Hereditary breast and/or ovarian cancer syndrome. Identifiers: Orphanet 145, MedGen C0677776, MeSH D061325, MONDO:0003582. Disease mechanism: loss of function.
Hereditary cancer-predisposing syndrome. Also called: Tumor predisposition; Neoplastic Syndromes, Hereditary; Hereditary neoplastic syndrome; Hereditary Cancer Syndrome. Identifiers: Orphanet 140162, MedGen C0027672, MeSH D009386, MONDO:0015356.

Submissions (3):

Ambry Genetics
Classification: Pathogenic for Hereditary cancer-predisposing syndrome. Last evaluated: 2025-04-07. Review status: criteria provided, single submitter. Criteria: Ambry Variant Classification Scheme 2023. Collection method: clinical testing. Allele origin: germline.
Comment: The p.E1641* pathogenic mutation (also known as c.4921G>T), located in coding exon 10 of the BRCA2 gene, results from a G to T substitution at nucleotide position 4921. This changes the amino acid from a glutamic acid to a stop codon within coding exon 10. This variant is considered to be rare based on population cohorts in the Genome Aggregation Database (gnomAD). This alteration is expected to result in loss of function by premature protein truncation or nonsense-mediated mRNA decay. As such, this alteration is interpreted as a disease-causing mutation.

Labcorp Genetics (formerly Invitae), Labcorp
Classification: Pathogenic for Hereditary breast ovarian cancer syndrome. Last evaluated: 2024-08-08. Review status: criteria provided, single submitter. Criteria: Invitae Variant Classification Sherloc (09022015). Collection method: clinical testing. Allele origin: germline.
Comment: This sequence change creates a premature translational stop signal (p.Glu1641*) in the BRCA2 gene. It is expected to result in an absent or disrupted protein product. Loss-of-function variants in BRCA2 are known to be pathogenic (PMID: 20104584). This variant is not present in population databases (gnomAD no frequency). This variant has not been reported in the literature in individuals affected with BRCA2-related conditions. ClinVar contains an entry for this variant (Variation ID: 632691). For these reasons, this variant has been classified as Pathogenic.

Women's Health and Genetics/Laboratory Corporation of America, LabCorp
Classification: Likely pathogenic for Hereditary breast and ovarian cancer syndrome. Last evaluated: 2018-02-26. Review status: criteria provided, single submitter. Criteria: LabCorp Variant Classification Summary - May 2015. Collection method: clinical testing. Allele origin: germline.
Comment: Variant summary: BRCA2 c.4921G>T (p.Glu1641X) results in a premature termination codon, predicted to cause a truncation of the encoded protein or absence of the protein due to nonsense mediated decay, which are commonly known mechanisms for disease. Truncations downstream of this position have been classified as pathogenic by our laboratory (eg. c.4936_4937delGA, p.Glu1646fsX19; c.4965C>G, p.Tyr1655X; c.5042_5043delTG, p.Val1681fsX7). The variant was absent in 119390 control chromosomes (ExAC). To our knowledge, no occurrence of c.4921G>T in individuals affected with Hereditary Breast and Ovarian Cancer and no experimental evidence demonstrating its impact on protein function have been reported. No clinical diagnostic laboratories have submitted clinical-significance assessments for this variant to ClinVar after 2014. Based on the evidence outlined above, the variant was classified as likely pathogenic.

Literature cited by the submitters: PubMed 20104584 (cited by Labcorp Genetics (formerly Invitae), Labcorp).

NM_000059.4(BRCA2):c.4921G>T (p.Glu1641Ter)

Gene: BRCA2 (BRCA2 DNA repair associated; plus strand). Cytogenetic location: 13q13.1.
Variant type: single nucleotide variant.
Coding change: c.4921G>T on transcript NM_000059.4 (MANE Select); coding-DNA position 4921, G replaced by T.
Protein change: p.Glu1641Ter; replaces glutamic acid 1641 with a stop codon.
Molecular consequence: nonsense.
Genome position (GRCh38, 1-based): chr13:32,339,276, G>T. VCF-style: chr13-32339276-G-T. GRCh37 (hg19) VCF-style: chr13-32913413-G-T.
Other names: short protein forms E1641*.
Identifiers: ClinVar variation 632691 (VCV000632691.11), dbSNP rs1566231364, ClinGen allele CA387783625.